The following is an entry in ClinVar:

NM_001447.3(FAT2):c.10371G>T (p.Glu3457Asp)

Genes: SLC36A1 (solute carrier family 36 member 1; plus strand), FAT2 (FAT atypical cadherin 2; minus strand). Cytogenetic location: 5q33.1.
Variant type: single nucleotide variant.
Coding change: c.10371G>T on transcript NM_001447.3 (MANE Select); coding-DNA position 10371, G replaced by T.
Protein change: p.Glu3457Asp; replaces glutamic acid 3457 with aspartic acid.
Molecular consequence: missense variant.
Genome position (GRCh38, 1-based): chr5:151,525,903, C>A on the plus strand (G>T on the coding strand, the complement: FAT2 is on the minus strand). VCF-style: chr5-151525903-C-A. GRCh37 (hg19) VCF-style: chr5-150905464-C-A.
Other names: short protein forms E3457D.
Identifiers: ClinVar variation 2801742 (VCV002801742.3), dbSNP rs1296711659, ClinGen allele CA361825588.

ClinVar aggregate classification (germline): Uncertain significance (1 of 4 stars; one submission).

gnomAD v4.1: 1 of 1,614,200 alleles (0.000062%); highest among the groups gnomAD compares: African/African-American, 0.0013%; no homozygotes.

Submission:

Labcorp Genetics (formerly Invitae), Labcorp
Classification: Uncertain significance. Last evaluated: 2023-11-09. Review status: criteria provided, single submitter. Criteria: Invitae Variant Classification Sherloc (09022015). Collection method: clinical testing. Allele origin: germline.
Comment: This sequence change replaces glutamic acid, which is acidic and polar, with aspartic acid, which is acidic and polar, at codon 3457 of the FAT2 protein (p.Glu3457Asp). This variant is not present in population databases (gnomAD no frequency). This variant has not been reported in the literature in individuals affected with FAT2-related conditions. An algorithm developed to predict the effect of missense changes on protein structure and function (PolyPhen-2) suggests that this variant is likely to be disruptive. In summary, the available evidence is currently insufficient to determine the role of this variant in disease. Therefore, it has been classified as a Variant of Uncertain Significance.